The following is an entry in ClinVar:

NM_001291303.3(FAT4):c.10936T>G (p.Leu3646Val)

Gene: FAT4 (FAT atypical cadherin 4; plus strand). Cytogenetic location: 4q28.1.
Variant type: single nucleotide variant.
Coding change: c.10936T>G on transcript NM_001291303.3 (MANE Select); coding-DNA position 10936, T replaced by G.
Protein change: p.Leu3646Val; replaces leucine 3646 with valine.
Molecular consequence: missense variant.
Genome position (GRCh38, 1-based): chr4:125,451,946, T>G. VCF-style: chr4-125451946-T-G. GRCh37 (hg19) VCF-style: chr4-126373101-T-G.
Other names: c.10936T>G, p.Leu3646Val (NM_001291285.3); c.10930T>G, p.Leu3644Val (NM_024582.6); short protein forms L3644V, L3646V.
Identifiers: ClinVar variation 2088192 (VCV002088192.4), dbSNP rs1327122607, ClinGen allele CA358160216.

ClinVar aggregate classification (germline): Uncertain significance (1 of 4 stars; one submission).

gnomAD v4.1: 1 of 1,614,150 alleles (0.000062%); highest among the groups gnomAD compares: Admixed American, 0.0017%; no homozygotes.

Submission:

Labcorp Genetics (formerly Invitae), Labcorp
Classification: Uncertain significance. Last evaluated: 2022-07-10. Review status: criteria provided, single submitter. Criteria: Invitae Variant Classification Sherloc (09022015). Collection method: clinical testing. Allele origin: germline.
Comment: This sequence change replaces leucine, which is neutral and non-polar, with valine, which is neutral and non-polar, at codon 3644 of the FAT4 protein (p.Leu3644Val). This variant is present in population databases (no rsID available, gnomAD 0.003%). This variant has not been reported in the literature in individuals affected with FAT4-related conditions. Advanced modeling of protein sequence and biophysical properties (such as structural, functional, and spatial information, amino acid conservation, physicochemical variation, residue mobility, and thermodynamic stability) performed at Invitae indicates that this missense variant is not expected to disrupt FAT4 protein function. In summary, the available evidence is currently insufficient to determine the role of this variant in disease. Therefore, it has been classified as a Variant of Uncertain Significance.